The following is an entry in ClinVar:

NM_177550.5(SLC13A5):c.229C>A (p.Gln77Lys)

Gene: SLC13A5 (solute carrier family 13 member 5; minus strand). Cytogenetic location: 17p13.1.
Variant type: single nucleotide variant.
Coding change: c.229C>A on transcript NM_177550.5 (MANE Select); coding-DNA position 229, C replaced by A.
Protein change: p.Gln77Lys; replaces glutamine 77 with lysine.
Molecular consequence: missense variant. On other transcripts: intron variant (1).
Genome position (GRCh38, 1-based): chr17:6,707,030, G>T on the plus strand (C>A on the coding strand, the complement: SLC13A5 is on the minus strand). VCF-style: chr17-6707030-G-T. GRCh37 (hg19) VCF-style: chr17-6610349-G-T.
Other names: c.229C>A, p.Gln77Lys (NM_001143838.3, NM_001284509.2); c.103-252C>A (NM_001284510.2); short protein forms Q77K.
Identifiers: ClinVar variation 1179411 (VCV001179411.2), dbSNP rs756638508, ClinGen allele CA8331849.

ClinVar aggregate classification (germline): Uncertain significance (1 of 4 stars; one submission).

Allele frequency attached by ClinVar (database versions not stated): gnomAD exomes below 0.00001; TOPMed 0.00002; ExAC 0.00001; gnomAD 0.00001.
gnomAD v4.1: 7 of 1,613,764 alleles (0.00043%); highest among the groups gnomAD compares: African/African-American, 0.0093%; no homozygotes.

Submission:

GeneDx
Classification: Uncertain significance. Last evaluated: 2019-04-26. Review status: criteria provided, single submitter. Criteria: GeneDx Variant Classification Process June 2021. Collection method: clinical testing. Allele origin: germline. Affected: yes.
Comment: Functional studies demonstrate no significant change in transport activity or citrate Km values but the Vmax values and cell surface expression were lower than wild-type; In silico analysis, which includes protein predictors and evolutionary conservation, supports that this variant does not alter protein structure/function; Not observed at a significant frequency in large population cohorts (Lek et al., 2016); This variant is associated with the following publications: (PMID: 27683012)